The following is an entry in ClinVar:

ClinVar aggregate classification (germline): Uncertain significance (1 of 4 stars; one submission).

Submission:

GeneDx
Classification: Uncertain significance. Last evaluated: 2019-09-22. Review status: criteria provided, single submitter. Criteria: GeneDx Variant Classification Process June 2021. Collection method: clinical testing. Allele origin: germline. Affected: yes.
Comment: Not observed in large population cohorts (Lek et al., 2016); In silico analysis, which includes protein predictors and evolutionary conservation, supports a deleterious effect; Has not been previously published as pathogenic or benign to our knowledge

NM_000090.4(COL3A1):c.263G>A (p.Cys88Tyr)

Gene: COL3A1 (collagen type III alpha 1 chain; plus strand). Cytogenetic location: 2q32.2.
Variant type: single nucleotide variant.
Coding change: c.263G>A on transcript NM_000090.4 (MANE Select); coding-DNA position 263, G replaced by A.
Protein change: p.Cys88Tyr; replaces cysteine 88 with tyrosine.
Molecular consequence: missense variant.
Genome position (GRCh38, 1-based): chr2:188,984,943, G>A. VCF-style: chr2-188984943-G-A. GRCh37 (hg19) VCF-style: chr2-189849669-G-A.
Other names: short protein forms C88Y.
Identifiers: ClinVar variation 1312401 (VCV001312401.2), dbSNP rs2153501373, ClinGen allele CA349847406.